The following is an entry in ClinVar:

ClinVar aggregate classification (germline): Uncertain significance (1 of 4 stars; one submission).

Allele frequency attached by ClinVar (database versions not stated): gnomAD exomes below 0.00001; ExAC 0.00001.
gnomAD v4.1: 2 of 1,613,952 alleles (0.00012%); highest among the groups gnomAD compares: Non-Finnish European, 0.00017%; no homozygotes.

Submission:

Labcorp Genetics (formerly Invitae), Labcorp
Classification: Uncertain significance. Last evaluated: 2021-08-27. Review status: criteria provided, single submitter. Criteria: Invitae Variant Classification Sherloc (09022015). Collection method: clinical testing. Allele origin: germline.
Comment: This sequence change replaces lysine with glutamic acid at codon 428 of the CNGA3 protein (p.Lys428Glu). The lysine residue is highly conserved and there is a small physicochemical difference between lysine and glutamic acid. In summary, the available evidence is currently insufficient to determine the role of this variant in disease. Therefore, it has been classified as a Variant of Uncertain Significance. Advanced modeling of protein sequence and biophysical properties (such as structural, functional, and spatial information, amino acid conservation, physicochemical variation, residue mobility, and thermodynamic stability) performed at Invitae indicates that this missense variant is expected to disrupt CNGA3 protein function. This variant has not been reported in the literature in individuals affected with CNGA3-related conditions. This variant is present in population databases (rs746160928, ExAC 0.002%).

NM_001298.3(CNGA3):c.1282A>G (p.Lys428Glu)

Gene: CNGA3 (cyclic nucleotide gated channel subunit alpha 3; plus strand). Cytogenetic location: 2q11.2.
Variant type: single nucleotide variant.
Coding change: c.1282A>G on transcript NM_001298.3 (MANE Select); coding-DNA position 1282, A replaced by G.
Protein change: p.Lys428Glu; replaces lysine 428 with glutamic acid.
Molecular consequence: missense variant.
Genome position (GRCh38, 1-based): chr2:98,396,452, A>G. VCF-style: chr2-98396452-A-G. GRCh37 (hg19) VCF-style: chr2-99012915-A-G.
Other names: c.1228A>G, p.Lys410Glu (NM_001079878.2); short protein forms K410E, K428E.
Identifiers: ClinVar variation 1445379 (VCV001445379.6), dbSNP rs746160928, ClinGen allele CA1793979.